The following is an entry in ClinVar:

ClinVar aggregate classification (germline): Uncertain significance. Review status: criteria provided, multiple submitters, no conflicts (2 of 4 stars). 2 submissions from 2 submitters: Uncertain significance (2). Last evaluated 2024-06-17.

Allele frequency attached by ClinVar (database versions not stated): gnomAD exomes 0.00001.

Submissions (2):

Ambry Genetics
Classification: Uncertain significance. Last evaluated: 2024-06-17. Review status: criteria provided, single submitter. Criteria: Ambry Variant Classification Scheme 2023. Collection method: clinical testing. Allele origin: germline.

Labcorp Genetics (formerly Invitae), Labcorp
Classification: Uncertain significance. Last evaluated: 2023-01-14. Review status: criteria provided, single submitter. Criteria: Invitae Variant Classification Sherloc (09022015). Collection method: clinical testing. Allele origin: germline.
Comment: This variant has not been reported in the literature in individuals affected with CDCA7-related conditions. In summary, the available evidence is currently insufficient to determine the role of this variant in disease. Therefore, it has been classified as a Variant of Uncertain Significance. Advanced modeling of protein sequence and biophysical properties (such as structural, functional, and spatial information, amino acid conservation, physicochemical variation, residue mobility, and thermodynamic stability) performed at Invitae indicates that this missense variant is not expected to disrupt CDCA7 protein function. This variant is present in population databases (no rsID available, gnomAD 0.006%). This sequence change replaces serine, which is neutral and polar, with leucine, which is neutral and non-polar, at codon 132 of the CDCA7 protein (p.Ser132Leu).

NM_031942.5(CDCA7):c.395C>T (p.Ser132Leu)

Gene: CDCA7 (cell division cycle associated 7; plus strand). Cytogenetic location: 2q31.1.
Variant type: single nucleotide variant.
Coding change: c.395C>T on transcript NM_031942.5 (MANE Select); coding-DNA position 395, C replaced by T.
Protein change: p.Ser132Leu; replaces serine 132 with leucine.
Molecular consequence: missense variant.
Genome position (GRCh38, 1-based): chr2:173,363,236, C>T. VCF-style: chr2-173363236-C-T. GRCh37 (hg19) VCF-style: chr2-174227964-C-T.
Other names: c.395C>T (NM_031942.4); c.158C>T, p.Ser53Leu (NM_145810.3); short protein forms S53L, S132L.
Identifiers: ClinVar variation 2997379 (VCV002997379.4), dbSNP rs1312796815, ClinGen allele CA349323986.
Genomic context (GRCh38, chr2:173,363,236, plus strand): 5'-ATGCAGCTTGTCTGCTGATCAAGTCCTAATGACTCAATTGTTGTGATTAGAGGCTGCAGT[C>T]AGTTCGGGAAGGCTGTAGGACCCGCAGCCAGTGCAGGCACTCTGGACCTCTCAGGGTGGC-3'
Protein context (NP_114148.3, residues 122-142): SEIQDGMRLQ[Ser132Leu]VREGCRTRSQ